The following is an entry in ClinVar:

ClinVar aggregate classification (germline): Benign/Likely benign. Review status: criteria provided, multiple submitters, no conflicts (2 of 4 stars). 3 submissions from 3 submitters: Benign (1); Likely benign (2). Last evaluated 2026-01-26.

Conditions:
LAMA2-related muscular dystrophy (LAMA2-RD). Also called: Laminin alpha 2-related dystrophy. Identifiers: MedGen C5679788, MONDO:0100228.

Allele frequency attached by ClinVar (database versions not stated): gnomAD exomes 0.00019; ExAC 0.00025; gnomAD 0.00068 and 0.00077; 1000 Genomes Project 30x 0.00078; TOPMed 0.00085; 1000 Genomes Project 0.00100; ESP Exome Variant Server 0.00100.
gnomAD v4.1: 202 of 1,605,334 alleles (0.013%); highest among the groups gnomAD compares: African/African-American, 0.25%; 1 homozygote.

Submissions (3):

Labcorp Genetics (formerly Invitae), Labcorp
Classification: Benign for LAMA2-related muscular dystrophy. Last evaluated: 2026-01-26. Review status: criteria provided, single submitter. Criteria: Invitae Variant Classification Sherloc (09022015). Collection method: clinical testing. Allele origin: germline.

Blueprint Genetics
Classification: Likely benign. Last evaluated: 2024-11-13. Review status: criteria provided, single submitter. Criteria: ACMG Guidelines, 2015. Collection method: clinical testing. Allele origin: germline.

GeneDx
Classification: Likely benign. Last evaluated: 2016-07-07. Review status: criteria provided, single submitter. Criteria: GeneDx Variant Classification (06012015). Collection method: clinical testing. Allele origin: germline. Affected: yes.
Comment: This variant is considered likely benign or benign based on one or more of the following criteria: it is a conservative change, it occurs at a poorly conserved position in the protein, it is predicted to be benign by multiple in silico algorithms, and/or has population frequency not consistent with disease.

NM_000426.4(LAMA2):c.2187G>C (p.Gly729=)

Gene: LAMA2 (laminin subunit alpha 2; plus strand). Cytogenetic location: 6q22.33.
Variant type: single nucleotide variant.
Coding change: c.2187G>C on transcript NM_000426.4 (MANE Select); coding-DNA position 2187, G replaced by C.
Protein change: p.Gly729=; no amino-acid change (glycine 729 retained).
Molecular consequence: synonymous variant.
Genome position (GRCh38, 1-based): chr6:129,260,801, G>C. VCF-style: chr6-129260801-G-C. GRCh37 (hg19) VCF-style: chr6-129581946-G-C.
Other names: c.2187G>C, p.Gly729= (NM_001079823.2).
Identifiers: ClinVar variation 387093 (VCV000387093.15), dbSNP rs142345851, ClinGen allele CA3992847.
Genomic context (GRCh38, chr6:129,260,801, plus strand): 5'-CTCCTATCCTACTGATGGAAGCATTGCAGCAGCTGTAGAAGTGTGTCAGTGCCCACCAGG[G>C]TATACTGGCTCCTCTTGTGAAGTAAGCTTGCAAGAATGTATCCTTAGTGCTTTCAAAGTT-3'
Protein context (NP_000417.3, residues 719-739): AAVEVCQCPP[Gly729=]YTGSSCESCW